The following is an entry in ClinVar:

NM_002691.4(POLD1):c.2551C>G (p.Leu851Val)

Gene: POLD1 (DNA polymerase delta 1, catalytic subunit; plus strand). Cytogenetic location: 19q13.33.
Variant type: single nucleotide variant.
Coding change: c.2551C>G on transcript NM_002691.4 (MANE Select); coding-DNA position 2551, C replaced by G.
Protein change: p.Leu851Val; replaces leucine 851 with valine.
Molecular consequence: missense variant. On other transcripts: non-coding transcript variant (1).
Genome position (GRCh38, 1-based): chr19:50,414,977, C>G. VCF-style: chr19-50414977-C-G. GRCh37 (hg19) VCF-style: chr19-50918234-C-G.
Other names: c.2551C>G, p.Leu851Val (NM_001256849.1); c.2629C>G, p.Leu877Val (NM_001308632.1); c.2551C>G (NM_002691.2); short protein forms L851V, L877V.
Identifiers: ClinVar variation 1804399 (VCV001804399.7), dbSNP rs757112820, ClinGen allele CA406985227.

ClinVar aggregate classification (germline): Uncertain significance. Review status: criteria provided, multiple submitters, no conflicts (2 of 4 stars). 3 submissions from 3 submitters: Uncertain significance (3). Last evaluated 2024-01-31.

Conditions:
POLD1-related polyposis and colorectal cancer syndrome (CRCS10). Also called: Colorectal cancer 10; COLORECTAL CANCER, SUSCEPTIBILITY TO, ON CHROMOSOME 19q; Colorectal cancer, susceptibility to, 10. Identifiers: Orphanet 220460, MedGen C2675481, MONDO:0012953, OMIM 612591.
Hereditary cancer-predisposing syndrome. Also called: Tumor predisposition; Hereditary Cancer Syndrome; Hereditary neoplastic syndrome; Neoplastic Syndromes, Hereditary. Identifiers: Orphanet 140162, MedGen C0027672, MeSH D009386, MONDO:0015356.

Submissions (3):

Ambry Genetics
Classification: Uncertain significance for Hereditary cancer-predisposing syndrome. Last evaluated: 2024-01-31. Review status: criteria provided, single submitter. Criteria: Ambry Variant Classification Scheme 2023. Collection method: clinical testing. Allele origin: germline.
Comment: The p.L851V variant (also known as c.2551C>G), located in coding exon 19 of the POLD1 gene, results from a C to G substitution at nucleotide position 2551. The leucine at codon 851 is replaced by valine, an amino acid with highly similar properties. This amino acid position is conserved. In addition, this alteration is predicted to be tolerated by in silico analysis. Based on the available evidence, the clinical significance of this alteration remains unclear.

GeneDx
Classification: Uncertain significance. Last evaluated: 2022-06-15. Review status: criteria provided, single submitter. Criteria: GeneDx Variant Classification Process June 2021. Collection method: clinical testing. Allele origin: germline. Affected: yes.
Comment: Not observed at significant frequency in large population cohorts (gnomAD); In silico analysis supports that this missense variant does not alter protein structure/function; Has not been previously published as pathogenic or benign to our knowledge

Labcorp Genetics (formerly Invitae), Labcorp
Classification: Uncertain significance for POLD1-related polyposis and colorectal cancer syndrome. Last evaluated: 2022-02-20. Review status: criteria provided, single submitter. Criteria: Invitae Variant Classification Sherloc (09022015). Collection method: clinical testing. Allele origin: germline.
Comment: In summary, the available evidence is currently insufficient to determine the role of this variant in disease. Therefore, it has been classified as a Variant of Uncertain Significance. Algorithms developed to predict the effect of missense changes on protein structure and function (SIFT, PolyPhen-2, Align-GVGD) all suggest that this variant is likely to be tolerated. This variant has not been reported in the literature in individuals affected with POLD1-related conditions. This variant is not present in population databases (gnomAD no frequency). This sequence change replaces leucine, which is neutral and non-polar, with valine, which is neutral and non-polar, at codon 851 of the POLD1 protein (p.Leu851Val).